The following is an entry in ClinVar:

NM_004370.6(COL12A1):c.9038C>T (p.Pro3013Leu)

Gene: COL12A1 (collagen type XII alpha 1 chain; minus strand). Cytogenetic location: 6q13.
Variant type: single nucleotide variant.
Coding change: c.9038C>T on transcript NM_004370.6 (MANE Select); coding-DNA position 9038, C replaced by T.
Protein change: p.Pro3013Leu; replaces proline 3013 with leucine.
Molecular consequence: missense variant.
Genome position (GRCh38, 1-based): chr6:75,087,720, G>A on the plus strand (C>T on the coding strand, the complement: COL12A1 is on the minus strand). VCF-style: chr6-75087720-G-A. GRCh37 (hg19) VCF-style: chr6-75797436-G-A.
Other names: p.Pro3013Leu; c.5546C>T, p.Pro1849Leu (NM_080645.3); short protein forms P1849L, P3013L.
Identifiers: ClinVar variation 1318519 (VCV001318519.11), dbSNP rs376161354, ClinGen allele CA3892034.

ClinVar aggregate classification (germline): Uncertain significance. Review status: criteria provided, multiple submitters, no conflicts (2 of 4 stars). 4 submissions from 4 submitters: Uncertain significance (4). Last evaluated 2026-02-05.

Conditions:
Bethlem myopathy 2 (BTHLM2). Identifiers: Orphanet 536516, Orphanet 610, MedGen C4225313, MONDO:0034022, OMIM 616471.
Ullrich congenital muscular dystrophy 2 (UCMD2). Identifiers: Orphanet 75840, MedGen C4225314, MONDO:0014654, OMIM 616470.

Allele frequency attached by ClinVar (database versions not stated): ExAC 0.00002; ESP Exome Variant Server 0.00008; gnomAD 0.00005 and 0.00004; TOPMed 0.00005; gnomAD exomes 0.00006 and 0.00002.
gnomAD v4.1: 92 of 1,607,040 alleles (0.0057%); highest among the groups gnomAD compares: Non-Finnish European, 0.0076%; no homozygotes.

Submissions (4):

GeneDx
Classification: Uncertain significance. Last evaluated: 2026-02-05. Review status: criteria provided, single submitter. Criteria: GeneDx Variant Classification Process June 2021. Collection method: clinical testing. Allele origin: germline. Affected: yes.
Comment: Not observed at significant frequency in large population cohorts (gnomAD); In silico analysis supports that this missense variant has a deleterious effect on protein structure/function; Has not been previously published as pathogenic or benign to our knowledge

Labcorp Genetics (formerly Invitae), Labcorp
Classification: Uncertain significance for Bethlem myopathy 2; Ullrich congenital muscular dystrophy 2. Last evaluated: 2025-12-17. Review status: criteria provided, single submitter. Criteria: Invitae Variant Classification Sherloc (09022015). Collection method: clinical testing. Allele origin: germline.
Comment: This sequence change replaces proline, which is neutral and non-polar, with leucine, which is neutral and non-polar, at codon 3013 of the COL12A1 protein (p.Pro3013Leu). This variant is present in population databases (rs376161354, gnomAD 0.004%). This variant has not been reported in the literature in individuals affected with COL12A1-related conditions. ClinVar contains an entry for this variant (Variation ID: 1318519). An algorithm developed to predict the effect of missense changes on protein structure and function (PolyPhen-2) suggests that this variant is likely to be disruptive. In summary, the available evidence is currently insufficient to determine the role of this variant in disease. Therefore, it has been classified as a Variant of Uncertain Significance.

Revvity Omics, Revvity
Classification: Uncertain significance. Last evaluated: 2024-12-28. Review status: criteria provided, single submitter. Criteria: ACMG Guidelines, 2015. Collection method: clinical testing. Allele origin: germline.

Mayo Clinic Laboratories, Mayo Clinic
Classification: Uncertain significance. Last evaluated: 2023-08-08. Review status: criteria provided, single submitter. Criteria: ACMG Guidelines, 2015. Collection method: clinical testing. Allele origin: germline. Observed: 1 variant allele.